The following is an entry in ClinVar:

NM_004655.4(AXIN2):c.1162C>G (p.Arg388Gly)

Gene: AXIN2 (axin 2; minus strand). Cytogenetic location: 17q24.1.
Variant type: single nucleotide variant.
Coding change: c.1162C>G on transcript NM_004655.4 (MANE Select); coding-DNA position 1162, C replaced by G.
Protein change: p.Arg388Gly; replaces arginine 388 with glycine.
Molecular consequence: missense variant.
Genome position (GRCh38, 1-based): chr17:65,538,241, G>C on the plus strand (C>G on the coding strand, the complement: AXIN2 is on the minus strand). VCF-style: chr17-65538241-G-C. GRCh37 (hg19) VCF-style: chr17-63534359-G-C.
Other names: c.1162C>G, p.Arg388Gly (NM_001363813.1); short protein forms R388G.
Identifiers: ClinVar variation 1737174 (VCV001737174.2), dbSNP rs886053273, ClinGen allele CA400678261.
Genomic context (GRCh38, chr17:65,538,241, plus strand): 5'-AAGAAGGCCTAGGCCGCATTACCTCTCGGATCTGCTGCAGGCGCTCCTCCAGGCTGTGGC[G>C]GCTCTCCAACTCCAGCTTCAGCTTTTCCAGCCTCGAGATCAGCTCAGCTGCAAAGGTGGC-3'
Protein context (NP_004646.3, residues 378-398): LEKLKLELES[Arg388Gly]HSLEERLQQI

ClinVar aggregate classification (germline): Uncertain significance (1 of 4 stars; one submission).

Conditions:
Hereditary cancer-predisposing syndrome. Also called: Neoplastic Syndromes, Hereditary; Tumor predisposition; Hereditary Cancer Syndrome; Hereditary neoplastic syndrome. Identifiers: Orphanet 140162, MedGen C0027672, MeSH D009386, MONDO:0015356.

Submission:

Ambry Genetics
Classification: Uncertain significance for Hereditary cancer-predisposing syndrome. Last evaluated: 2021-02-22. Review status: criteria provided, single submitter. Criteria: Ambry Variant Classification Scheme 2023. Collection method: clinical testing. Allele origin: germline.
Comment: The p.R388G variant (also known as c.1162C>G), located in coding exon 4 of the AXIN2 gene, results from a C to G substitution at nucleotide position 1162. The arginine at codon 388 is replaced by glycine, an amino acid with dissimilar properties. This amino acid position is well conserved in available vertebrate species. In addition, this alteration is predicted to be tolerated by in silico analysis. Since supporting evidence is limited at this time, the clinical significance of this alteration remains unclear.